The following is an entry in ClinVar:

NM_000219.6(KCNE1):c.208A>G (p.Lys70Glu)

Gene: KCNE1 (potassium voltage-gated channel subfamily E regulatory subunit 1; minus strand). Cytogenetic location: 21q22.12.
Variant type: single nucleotide variant.
Coding change: c.208A>G on transcript NM_000219.6 (MANE Select); coding-DNA position 208, A replaced by G.
Protein change: p.Lys70Glu; replaces lysine 70 with glutamic acid.
Molecular consequence: missense variant.
Genome position (GRCh38, 1-based): chr21:34,449,427, T>C on the plus strand (A>G on the coding strand, the complement: KCNE1 is on the minus strand). VCF-style: chr21-34449427-T-C. GRCh37 (hg19) VCF-style: chr21-35821725-T-C.
Other names: c.208A>G (NM_000219.3); c.208A>G, p.Lys70Glu (NM_001127668.4, NM_001127669.4, NM_001127670.4 and 4 more transcripts); short protein forms K70E.
Identifiers: ClinVar variation 1036212 (VCV001036212.11), dbSNP rs1568836235, ClinGen allele CA410198268.

ClinVar aggregate classification (germline): Conflicting classifications of pathogenicity. Review status: criteria provided, conflicting classifications (1 of 4 stars). 2 submissions from 2 submitters: Likely pathogenic (1); Uncertain significance (1). Last evaluated 2025-12-09.

Conditions:
Cardiovascular phenotype. Identifiers: MedGen CN230736.
Long QT syndrome (LQTS). Identifiers: MedGen C0023976, MeSH D008133, MONDO:0002442. Disease mechanism: loss of function. Inheritance: Various modes of inheritance.

Submissions (3):

Labcorp Genetics (formerly Invitae), Labcorp
Classification: Likely pathogenic for Long QT syndrome. Last evaluated: 2025-12-09. Review status: criteria provided, single submitter. Criteria: Invitae Variant Classification Sherloc (09022015). Collection method: clinical testing. Allele origin: germline.
Comment: This sequence change replaces lysine, which is basic and polar, with glutamic acid, which is acidic and polar, at codon 70 of the KCNE1 protein (p.Lys70Glu). This variant is not present in population databases (gnomAD no frequency). This variant has not been reported in the literature in individuals affected with KCNE1-related conditions. ClinVar contains an entry for this variant (Variation ID: 1036212). Invitae Evidence Modeling of protein sequence and biophysical properties (such as structural, functional, and spatial information, amino acid conservation, physicochemical variation, residue mobility, and thermodynamic stability) indicates that this missense variant is expected to disrupt KCNE1 protein function with a positive predictive value of 95%. Experimental studies are conflicting or provide insufficient evidence to determine the effect of this variant on KCNE1 function (PMID: 21576493, 25535795). This variant disrupts the p.Lys70 amino acid residue in KCNE1. Other variant(s) that disrupt this residue have been determined to be pathogenic (PMID: 31941373; internal data). This suggests that this residue is clinically significant, and that variants that disrupt this residue are likely to be disease-causing. In summary, the currently available evidence indicates that the variant is pathogenic, but additional data are needed to prove that conclusively. Therefore, this variant has been classified as Likely Pathogenic.

Ambry Genetics
Classification: Uncertain significance for Cardiovascular phenotype. Last evaluated: 2024-03-05. Review status: criteria provided, single submitter. Criteria: Ambry Variant Classification Scheme 2023. Collection method: clinical testing. Allele origin: germline.
Comment: The p.K70E variant (also known as c.208A>G), located in coding exon 1 of the KCNE1 gene, results from an A to G substitution at nucleotide position 208. The lysine at codon 70 is replaced by glutamic acid, an amino acid with similar properties. This amino acid position is well conserved in available vertebrate species. In addition, this alteration is predicted to be deleterious by in silico analysis. Based on the available evidence, the clinical significance of this alteration remains unclear.

Roden Lab, Vanderbilt University Medical Center
No classification provided (evidence only). Condition: Long QT syndrome 5. Review status: no classification provided. Collection method: in vitro. Allele origin: not applicable. Functional consequence: Effect on ion channel function. Not counted in ClinVar's aggregate classification.
ClinVar note: "not provided" was previously submitted as the classification for the variant. However, the classification appeared to be based only on an observation of functional data so it was converted to no classification on 2025-07-30.

Literature cited by the submitters: PubMed 21576493 (cited by Labcorp Genetics (formerly Invitae), Labcorp); PubMed 25535795 (cited by Labcorp Genetics (formerly Invitae), Labcorp); PubMed 31941373 (cited by Labcorp Genetics (formerly Invitae), Labcorp).